The following is an entry in ClinVar:

NM_002878.4(RAD51D):c.921G>A (p.Glu307=)

Genes: RAD51D (RAD51 paralog D; minus strand), RAD51L3-RFFL (RAD51L3-RFFL readthrough; minus strand). Cytogenetic location: 17q12.
Variant type: single nucleotide variant.
Coding change: c.921G>A on transcript NM_002878.4 (MANE Select); coding-DNA position 921, G replaced by A.
Protein change: p.Glu307=; no amino-acid change (glutamic acid 307 retained).
Molecular consequence: synonymous variant. On other transcripts: non-coding transcript variant (2).
Genome position (GRCh38, 1-based): chr17:35,101,019, C>T on the plus strand (G>A on the coding strand, the complement: RAD51D is on the minus strand). VCF-style: chr17-35101019-C-T. GRCh37 (hg19) VCF-style: chr17-33428038-C-T.
Other names: c.981G>A, p.Glu327= (NM_001142571.2); c.585G>A, p.Glu195= (NM_133629.3).
Identifiers: ClinVar variation 389259 (VCV000389259.19), dbSNP rs1057523377, ClinGen allele CA16607564.

ClinVar aggregate classification (germline): Benign/Likely benign. Review status: criteria provided, multiple submitters, no conflicts (2 of 4 stars). 6 submissions from 6 submitters: Benign (1); Likely benign (5). Last evaluated 2026-01-02.

Conditions:
Breast-ovarian cancer, familial, susceptibility to, 4. Identifiers: Orphanet 145, MedGen C3280345, MONDO:0013669, OMIM 614291.
Hereditary cancer-predisposing syndrome. Also called: Hereditary Cancer Syndrome; Hereditary neoplastic syndrome; Neoplastic Syndromes, Hereditary; Tumor predisposition. Identifiers: Orphanet 140162, MedGen C0027672, MeSH D009386, MONDO:0015356.

Allele frequency attached by ClinVar (database versions not stated): gnomAD exomes below 0.00001.
gnomAD v4.1: 1 of 1,613,844 alleles (0.000062%); highest among the groups gnomAD compares: Non-Finnish European, 0.000085%; no homozygotes.

Submissions (6):

Labcorp Genetics (formerly Invitae), Labcorp
Classification: Likely benign for Breast-ovarian cancer, familial, susceptibility to, 4. Last evaluated: 2026-01-02. Review status: criteria provided, single submitter. Criteria: Invitae Variant Classification Sherloc (09022015). Collection method: clinical testing. Allele origin: germline.

Myriad Genetics, Inc.
Classification: Benign for Breast-ovarian cancer, familial, susceptibility to, 4. Last evaluated: 2025-02-25. Review status: criteria provided, single submitter. Criteria: Myriad Autosomal Dominant, Autosomal Recessive and X-Linked Classification Criteria (2023). Collection method: clinical testing. Allele origin: unknown.
Comment: This variant is considered benign. This variant is a silent/synonymous amino acid change and it is not expected to impact splicing.

Sema4
Classification: Likely benign for Hereditary cancer-predisposing syndrome. Last evaluated: 2021-10-05. Review status: criteria provided, single submitter. Criteria: Sema4 Curation Guidelines. Collection method: curation. Allele origin: germline.

Color Diagnostics, LLC DBA Color Health
Classification: Likely benign for Hereditary cancer-predisposing syndrome. Last evaluated: 2019-08-12. Review status: criteria provided, single submitter. Criteria: ACMG Guidelines, 2015. Collection method: clinical testing. Allele origin: germline.

Ambry Genetics
Classification: Likely benign for Hereditary cancer-predisposing syndrome. Last evaluated: 2018-05-30. Review status: criteria provided, single submitter. Criteria: Ambry Variant Classification Scheme 2023. Collection method: clinical testing. Allele origin: germline.

GeneDx
Classification: Likely benign. Last evaluated: 2016-09-08. Review status: criteria provided, single submitter. Criteria: GeneDx Variant Classification (06012015). Collection method: clinical testing. Allele origin: germline. Affected: yes.
Comment: This variant is considered likely benign or benign based on one or more of the following criteria: it is a conservative change, it occurs at a poorly conserved position in the protein, it is predicted to be benign by multiple in silico algorithms, and/or has population frequency not consistent with disease.